The following is an entry in ClinVar:

NM_001291303.3(FAT4):c.3598A>G (p.Met1200Val)

Gene: FAT4 (FAT atypical cadherin 4; plus strand). Cytogenetic location: 4q28.1.
Variant type: single nucleotide variant.
Coding change: c.3598A>G on transcript NM_001291303.3 (MANE Select); coding-DNA position 3598, A replaced by G.
Protein change: p.Met1200Val; replaces methionine 1200 with valine.
Molecular consequence: missense variant.
Genome position (GRCh38, 1-based): chr4:125,320,009, A>G. VCF-style: chr4-125320009-A-G. GRCh37 (hg19) VCF-style: chr4-126241164-A-G.
Other names: c.3598A>G, p.Met1200Val (NM_001291285.3, NM_024582.6); short protein forms M1200V.
Identifiers: ClinVar variation 2636903 (VCV002636903.1), dbSNP rs922833471, ClinGen allele CA104866345.

ClinVar aggregate classification (germline): Uncertain significance (1 of 4 stars; one submission).

Conditions:
FAT4-related disorder. Also called: FAT4-related condition.

Allele frequency attached by ClinVar (database versions not stated): gnomAD 0.00002; TOPMed 0.00003.

Submission:

PreventionGenetics, part of Exact Sciences
Classification: Uncertain significance for FAT4-related condition. Last evaluated: 2023-08-31. Review status: criteria provided, single submitter. Criteria: ACMG Guidelines, 2015. Collection method: clinical testing. Allele origin: germline.
Comment: The FAT4 c.3598A>G variant is predicted to result in the amino acid substitution p.Met1200Val. To our knowledge, this variant has not been reported in the literature. This variant is reported in 0.0065% of alleles in individuals of European (Non-Finnish) descent in gnomAD. At this time, the clinical significance of this variant is uncertain due to the absence of conclusive functional and genetic evidence.